The following is an entry in ClinVar:

ClinVar aggregate classification (germline): Uncertain significance. Review status: criteria provided, multiple submitters, no conflicts (2 of 4 stars). 2 submissions from 2 submitters: Uncertain significance (2). Last evaluated 2023-05-29.

Conditions:
Cardiovascular phenotype. Identifiers: MedGen CN230736.
Brugada syndrome 8 (BRGDA8). Identifiers: Orphanet 130, MedGen C2751083, MONDO:0013148, OMIM 613123.

Submissions (2):

Ambry Genetics
Classification: Uncertain significance for Cardiovascular phenotype. Last evaluated: 2023-05-29. Review status: criteria provided, single submitter. Criteria: Ambry Variant Classification Scheme 2023. Collection method: clinical testing. Allele origin: germline.
Comment: The p.H748R variant (also known as c.2243A>G), located in coding exon 8 of the HCN4 gene, results from an A to G substitution at nucleotide position 2243. The histidine at codon 748 is replaced by arginine, an amino acid with highly similar properties. This amino acid position is conserved. In addition, the in silico prediction for this alteration is inconclusive. Since supporting evidence is limited at this time, the clinical significance of this alteration remains unclear.

Labcorp Genetics (formerly Invitae), Labcorp
Classification: Uncertain significance for Brugada syndrome 8. Last evaluated: 2021-11-05. Review status: criteria provided, single submitter. Criteria: Invitae Variant Classification Sherloc (09022015). Collection method: clinical testing. Allele origin: germline.
Comment: In summary, the available evidence is currently insufficient to determine the role of this variant in disease. Therefore, it has been classified as a Variant of Uncertain Significance. Advanced modeling of protein sequence and biophysical properties (such as structural, functional, and spatial information, amino acid conservation, physicochemical variation, residue mobility, and thermodynamic stability) performed at Invitae indicates that this missense variant is not expected to disrupt HCN4 protein function. This variant has not been reported in the literature in individuals affected with HCN4-related conditions. This variant is present in population databases (no rsID available, gnomAD 0.003%). This sequence change replaces histidine, which is basic and polar, with arginine, which is basic and polar, at codon 748 of the HCN4 protein (p.His748Arg).

NM_005477.3(HCN4):c.2243A>G (p.His748Arg)

Gene: HCN4 (hyperpolarization activated cyclic nucleotide gated potassium channel 4; minus strand). Cytogenetic location: 15q24.1.
Variant type: single nucleotide variant.
Coding change: c.2243A>G on transcript NM_005477.3 (MANE Select); coding-DNA position 2243, A replaced by G.
Protein change: p.His748Arg; replaces histidine 748 with arginine.
Molecular consequence: missense variant.
Genome position (GRCh38, 1-based): chr15:73,323,850, T>C on the plus strand (A>G on the coding strand, the complement: HCN4 is on the minus strand). VCF-style: chr15-73323850-T-C. GRCh37 (hg19) VCF-style: chr15-73616191-T-C.
Other names: c.2243A>G (NM_005477.2); short protein forms H748R.
Identifiers: ClinVar variation 1447463 (VCV001447463.7), dbSNP rs750677813, ClinGen allele CA393089278.